The following is an entry in ClinVar:

ClinVar aggregate classification (germline): Likely pathogenic. Review status: reviewed by expert panel (3 of 4 stars). 24 submissions from 22 submitters: Likely pathogenic (1). 23 of the submissions do not count toward it. Last evaluated 2022-10-19.

Conditions:
GJB2-related disorder. Also called: GJB2-related condition; GJB2-related disorders. Identifiers: MedGen CN382183, MONDO:1060236.
Hearing loss. Identifiers: MedGen C3887873.
Rare genetic deafness. Identifiers: Orphanet 96210, MedGen C5680250.
Ichthyosis, hystrix-like, with hearing loss. Also called: Hystrix-like ichthyosis with deafness. Identifiers: Orphanet 477, MedGen C1865234, MONDO:0011245.
Palmoplantar keratoderma-deafness syndrome. Also called: Keratoderma palmoplantar, with deafness; Palmoplantar keratoderma and sensorineural deafness; Hereditary palmoplantar keratoderma with deafness (subtype); Focal palmoplantar keratoderma with sensorineural deafness (subtype); Diffuse palmoplantar keratoderma with deafness (subtype). Identifiers: Orphanet 2202, MedGen C1835672, MONDO:0007852, OMIM 148350.
Knuckle pads, deafness AND leukonychia syndrome. Also called: Bart-Pumphrey syndrome. Identifiers: Orphanet 2698, MedGen C0266004, MONDO:0007866, OMIM 149200.
Mutilating keratoderma (VOWNKL). Also called: Keratoderma hereditarium mutilans. Identifiers: Orphanet 494, MedGen C0265964, MONDO:0007422, OMIM 124500.
Autosomal recessive nonsyndromic hearing loss 1A (DFNB1A). Also called: Connexin 26 deafness; Deafness nonsyndromic, Connexin 26 linked; GJB6-Related DFNB 1 Nonsyndromic Hearing Loss and Deafness; Deafness, autosomal recessive 1A; Nonsyndromic Hearing Loss and Deafness, DFNB1; GJB2-Related Autosomal Recessive Nonsyndromic Hearing Loss. Identifiers: Orphanet 90636, MedGen C2673759, MONDO:0009076, OMIM 220290.
Autosomal dominant keratitis-ichthyosis-hearing loss syndrome. Also called: Senter syndrome; KID SYNDROME, AUTOSOMAL DOMINANT; HID SYNDROME. Identifiers: Orphanet 477, MedGen C0265336, MONDO:0007850, OMIM 148210.
Autosomal dominant nonsyndromic hearing loss 3A. Identifiers: Orphanet 90635, MedGen C2675750, MONDO:0011103, OMIM 601544.
Nonsyndromic genetic hearing loss. Also called: Nonsyndromic hearing loss and deafness; Non-syndromic genetic deafness; Nonsyndromic genetic deafness. Identifiers: Orphanet 87884, MedGen C5680182, MONDO:0019497.
Autosomal recessive nonsyndromic hearing loss 1B. Also called: DEAFNESS, AUTOSOMAL RECESSIVE 1B. Identifiers: Orphanet 90636, MedGen C2675235, MONDO:0012977, OMIM 612645.
Hearing impairment. Also called: Impaired Hearing. Identifiers: MedGen C1384666, MONDO:0005365, HP:0000365.

Allele frequency attached by ClinVar (database versions not stated): TOPMed 0.00014; ExAC 0.00043; 1000 Genomes Project 0.00060; 1000 Genomes Project 30x 0.00062; gnomAD exomes 0.00051 and 0.00010; gnomAD 0.00010 and 0.00009.

Submissions 1 to 5 of 24:

ClinGen Hearing Loss Variant Curation Expert Panel
Classification: Likely pathogenic for Nonsyndromic genetic hearing loss. Last evaluated: 2022-10-19. Review status: reviewed by expert panel. Criteria: Clingen Hl Acmg Specifications Cdh23 Coch Gjb2 Kcnq4 Myo6 Myo7a Slc26a4 Tecta Ush2a V2. Collection method: curation. Allele origin: germline. Inheritance: Autosomal recessive inheritance.
Comment: The c.34G>T (NM_004004.6) in GJB2 is a missense variant predicted to cause the substitution of glycine by cysteine at amino acid 12 (p.Gly12Cys). The highest population minor allele frequency in gnomAD v2.1.1 is 0.0036 (128/35104 alleles) in the Latino/Admixed American population, which is higher than the ClinGen Hearing Loss VCEP threshold (>0.003) for BS1, and therefore meets this criterion (BS1). This is a high enough frequency that, in absence of conflicting data, might warrant a likely benign classification based on the thresholds defined by the ClinGen Hearing Loss VCEP for autosomal recessive hearing loss variants. However, based on the evidence outlined below, the ClinGen Hearing Loss Expert Panel believes that the evidence for the pathogenicity of this variant for nonsyndromic hearing loss outweighs its high allele frequency in population databases. Therefore, the BS1 code will not contribute to the overall classification. This variant has been detected in at least 10 patients with hearing loss. Of those individuals, at least 4 were compound heterozygous or the variant and a pathogenic or likely pathogenic variant was observed in trans and one proband was homozygous for the variant (c.35delG, p.V37I, p.Val198fs, p.Lys122Ile, PMID: 15365987, 17041943, 17666888, 25288386, 26969326, 31035178, SCV000061501.5) (PM3_Very Strong). A different pathogenic missense variant (p.Gly12Val) (ClinVar Variation ID 21387) in the same codon of GJB2 has been classified as likely pathogenic and pathogenic for hearing loss by 7 labs who are in concordance that this variant is LP/P (PM5). The computational predictor REVEL gives a score of 0.838, and the nucleotide is heavily conserved in UCSC, which is above the threshold of 0.7, evidence that correlates with impact to GJB2 function (PP3). In summary, this variant meets the criteria to be classified as likely pathogenic for autosomal recessive nonsyndromic genetic hearing loss based on the ACMG/AMP criteria applied as specified by the Hearing Loss VCEP: PM3_Very Strong, PM5, PP3, BS1 (ClinGen Hearing Loss VCEP specifications version 2; 10/19/2022)

CeGaT Center for Human Genetics Tuebingen
Classification: Pathogenic. Last evaluated: 2026-08-01. Review status: criteria provided, single submitter. Criteria: CeGaT Center For Human Genetics Tuebingen Variant Classification Criteria Version 2. Collection method: clinical testing. Allele origin: germline. Affected: yes. Observed: 2 variant alleles. Not counted in ClinVar's aggregate classification.
Comment: GJB2: PM3:Very Strong, PM5, PM2:Supporting, PP3

PreventionGenetics, part of Exact Sciences
Classification: Likely pathogenic for GJB2-related condition. Last evaluated: 2026-06-24. Review status: criteria provided, single submitter. Criteria: ACMG Guidelines, 2015. Collection method: clinical testing. Allele origin: germline. Not counted in ClinVar's aggregate classification.
Comment: The GJB2 c.34G>T variant is predicted to result in the amino acid substitution p.Gly12Cys. It has also been reported in the heterozygous state in the absence of a second potentially causative variant in patients with hearing loss, although the completeness of testing the GJB2 gene and upstream regulatory elements as well as other hearing loss related genes in these individuals is unknown (Azaiez et al. 2004. PubMed ID: 15365987; Tang et al. 2006. PubMed ID: 17041943; Putcha et al. 2007. PubMed ID: 17666888). This variant is reported in 0.36% of alleles in individuals of Latino descent in gnomAD, including 1 homozygote. In ClinVar this variant is classified as likely pathogenic by the ClinGen Hearing Loss Variant Curation Expert Panel for autosomal recessive hearing loss, citing internal data from another laboratory in which this variant was observed in the homozygous state or in trans with a second causative variant in five affected individuals (Variation ID: 44740). Another substitution at this amino acid position (p.Gly12Val) has also been reported in individuals with hearing loss (Chan et al. 2010. PubMed ID: 20154630; Rabionet et al. 2000. PubMed ID: 10982180; Figueroa-Ildefonso et al. 2019. PubMed ID: 31370293), and a different substitution (p.Gly12Arg) has been reported in individuals with keratitis-ichthyosis-deafness syndrome (Richard et al. 2002. PubMed ID: 11912510), indicating this position is important for normal protein function. While the clinical significance of this variant is uncertain for autosomal dominant disorders, this variant is interpreted as likely pathogenic for autosomal recessive hearing loss.

Labcorp Genetics (formerly Invitae), Labcorp
Classification: Pathogenic. Last evaluated: 2026-02-03. Review status: criteria provided, single submitter. Criteria: Invitae Variant Classification Sherloc (09022015). Collection method: clinical testing. Allele origin: germline. Not counted in ClinVar's aggregate classification.
Comment: This sequence change replaces glycine, which is neutral and non-polar, with cysteine, which is neutral and slightly polar, at codon 12 of the GJB2 protein (p.Gly12Cys). This variant is present in population databases (rs104894408, gnomAD 0.4%), and has an allele count higher than expected for a pathogenic variant. This missense change has been observed in individual(s) with autosomal recessive nonsyndromic sensorineural deafness (PMID: 20154630, 26969326, 31163360; internal data). In at least one individual the data is consistent with being in trans (on the opposite chromosome) from a pathogenic variant. It has also been observed to segregate with disease in related individuals. ClinVar contains an entry for this variant (Variation ID: 44740). Invitae Evidence Modeling of protein sequence and biophysical properties (such as structural, functional, and spatial information, amino acid conservation, physicochemical variation, residue mobility, and thermodynamic stability) indicates that this missense variant is expected to disrupt GJB2 protein function with a positive predictive value of 95%. For these reasons, this variant has been classified as Pathogenic.

Natera, Inc.
Classification: Likely pathogenic for Autosomal recessive deafness type 1A. Last evaluated: 2025-10-03. Review status: criteria provided, single submitter. Criteria: Natera Variant Classification Schema (03/2026). Collection method: clinical testing. Allele origin: germline. Not counted in ClinVar's aggregate classification.
Comment: The c.34G>T variant in GJB2 is a missense variant predicted to cause substitution of glycine to cysteine at amino acid 12. The frequency of this variant in the general population is greater than expected for disorder. This variant has been observed in at least one unaffected individual, with a zygosity that is consistent with the inheritance pattern for the associated condition (in gnomAD and/or literature). This variant has been observed in one or more individuals affected with the associated recessive disease, as either homozygous or compound heterozygous with a second variant (PMID: 20154630, 26252218, 38486023). A different variant at the same position has been determined to be Pathogenic or Likely Pathogenic. Computational prediction algorithms indicate this variant is likely to affect gene or protein function. Given the available evidence, this variant is classified as Likely Pathogenic.

NM_004004.6(GJB2):c.34G>T (p.Gly12Cys)

Gene: GJB2 (gap junction protein beta 2; minus strand). Cytogenetic location: 13q12.11.
Variant type: single nucleotide variant.
Coding change: c.34G>T on transcript NM_004004.6 (MANE Select); coding-DNA position 34, G replaced by T.
Protein change: p.Gly12Cys; replaces glycine 12 with cysteine.
Molecular consequence: missense variant.
Genome position (GRCh38, 1-based): chr13:20,189,548, C>A on the plus strand (G>T on the coding strand, the complement: GJB2 is on the minus strand). VCF-style: chr13-20189548-C-A. GRCh37 (hg19) VCF-style: chr13-20763687-C-A.
Other names: NM_004004.5(GJB2):c.34G>T(p.Gly12Cys); NM_004004.5(GJB2):c.34G>T; NM_004004.6(GJB2):c.34G>T; short protein forms G12C.
Identifiers: ClinVar variation 44740 (VCV000044740.89), dbSNP rs104894408, ClinGen allele CA172224.